The following is an entry in ClinVar:

NM_004006.3(DMD):c.10087-17C>T

Gene: DMD (dystrophin; minus strand). Cytogenetic location: Xp21.2.
Variant type: single nucleotide variant.
Coding change: c.10087-17C>T on transcript NM_004006.3 (MANE Select); 17 bases into the intron before coding-DNA position 10087, C replaced by T.
Molecular consequence: intron variant.
Genome position (GRCh38, 1-based): chrX:31,178,822, G>A on the plus strand (C>T on the coding strand, the complement: DMD is on the minus strand). VCF-style: chrX-31178822-G-A. GRCh37 (hg19) VCF-style: chrX-31196939-G-A.
Other names: c.10063-17C>T (NM_000109.4); c.6064-17C>T (NM_004011.4); c.6055-17C>T (NM_004012.4); c.2707-17C>T (NM_004023.3, NM_004020.4, NM_004022.3 and 2 more transcripts); c.1900-17C>T (NM_004014.3); c.883-17C>T (NM_004018.3, NM_004017.3, NM_004016.3 and 2 more transcripts); c.10075-17C>T (NM_004009.3); c.9718-17C>T (NM_004010.3).
Identifiers: ClinVar variation 388186 (VCV000388186.9), dbSNP rs745874317, ClinGen allele CA10377694.
Genomic context (GRCh38, chrX:31,178,822, plus strand): 5'-TTTAGTACCTTGGCAAAGTCTCGAACATCTTCTCCTGATGTAGTCTAAAAGGGAGATCAT[G>A]GTGAGATCAGATTTAGGACAGGATGATTTCAAAACTAATGACCACTCCAGTCTTCTGCCC-3'

ClinVar aggregate classification (germline): Likely benign. Review status: criteria provided, multiple submitters, no conflicts (2 of 4 stars). 2 submissions from 2 submitters: Likely benign (2). Last evaluated 2025-03-24.

Conditions:
Duchenne muscular dystrophy (DMD). Also called: MUSCULAR DYSTROPHY, PSEUDOHYPERTROPHIC PROGRESSIVE, DUCHENNE TYPE; Duchenne Muscular Dystrophy (DMD). Identifiers: Orphanet 98896, MedGen C0013264, MONDO:0010679, OMIM 310200.

Allele frequency attached by ClinVar (database versions not stated): TOPMed below 0.00001; ExAC 0.00001; gnomAD 0.00005.
gnomAD v4.1: 6 of 1,206,357 alleles (0.0005%); highest among the groups gnomAD compares: Non-Finnish European, 0.00067%; no homozygotes.

Submissions (2):

Labcorp Genetics (formerly Invitae), Labcorp
Classification: Likely benign for Duchenne muscular dystrophy. Last evaluated: 2025-03-24. Review status: criteria provided, single submitter. Criteria: Invitae Variant Classification Sherloc (09022015). Collection method: clinical testing. Allele origin: germline.

GeneDx
Classification: Likely benign. Last evaluated: 2018-03-13. Review status: criteria provided, single submitter. Criteria: GeneDx Variant Classification (06012015). Collection method: clinical testing. Allele origin: germline. Affected: yes.
Comment: This variant is considered likely benign or benign based on one or more of the following criteria: it is a conservative change, it occurs at a poorly conserved position in the protein, it is predicted to be benign by multiple in silico algorithms, and/or has population frequency not consistent with disease.